The following is an entry in ClinVar:

NC_000003.11:g.(?_137880731)_(137893637_?)dup

Gene: DBR1 (debranching RNA lariats 1; minus strand). Cytogenetic location: 3q22.3.
Variant type: Duplication.
Identifiers: ClinVar variation 2426283 (VCV002426283.3).

ClinVar aggregate classification (germline): Uncertain significance (1 of 4 stars; one submission).

Submission:

Labcorp Genetics (formerly Invitae), Labcorp
Classification: Uncertain significance. Last evaluated: 2022-04-07. Review status: criteria provided, single submitter. Criteria: Invitae Variant Classification Sherloc (09022015). Collection method: clinical testing. Allele origin: germline.
Comment: A copy number gain of the genomic region encompassing the full coding sequence of the DBR1 gene has been identified. The boundaries of this event are unknown as they extend beyond the assayed region for this gene and therefore may encompass additional genes. As the precise location of this event is unknown, it may be in tandem or it may be located elsewhere in the genome. This variant has not been reported in the literature in individuals affected with DBR1-related conditions. In summary, the available evidence is currently insufficient to determine the role of this variant in disease. Therefore, it has been classified as a Variant of Uncertain Significance.